The following is an entry in ClinVar:

ClinVar aggregate classification (germline): Uncertain significance. Review status: criteria provided, multiple submitters, no conflicts (2 of 4 stars). 3 submissions from 3 submitters: Uncertain significance (2). 1 of the submissions does not count toward it. Last evaluated 2024-11-18.

Conditions:
Deficiency of guanidinoacetate methyltransferase (CCDS2). Also called: GAMT DEFICIENCY; Guanidinoacetate Methyltransferase (GAMT) Deficiency; CEREBRAL CREATINE DEFICIENCY SYNDROME 2. Identifiers: Orphanet 382, MedGen C0574080, MONDO:0012999, OMIM 612736.
Cerebral creatine deficiency syndrome. Also called: Creatine deficiency syndromes. Identifiers: Orphanet 79172, MedGen C5244016, MONDO:0000456.

Submissions (3):

Labcorp Genetics (formerly Invitae), Labcorp
Classification: Uncertain significance for Cerebral creatine deficiency syndrome. Last evaluated: 2024-11-18. Review status: criteria provided, single submitter. Criteria: Invitae Variant Classification Sherloc (09022015). Collection method: clinical testing. Allele origin: germline.
Comment: This variant, c.265_267del, results in the deletion of 1 amino acid(s) of the GAMT protein (p.Ile89del), but otherwise preserves the integrity of the reading frame. This variant is present in population databases (rs750232484, gnomAD 0.03%). This variant has been observed in individual(s) with cerebral creatine deficiency syndrome (PMID: 34974949). Experimental studies and prediction algorithms are not available or were not evaluated, and the functional significance of this variant is currently unknown. In summary, the available evidence is currently insufficient to determine the role of this variant in disease. Therefore, it has been classified as a Variant of Uncertain Significance.

GeneDx
Classification: Uncertain significance. Last evaluated: 2014-10-13. Review status: criteria provided, single submitter. Criteria: GeneDx Variant Classification (06012015). Collection method: clinical testing. Allele origin: germline. Affected: yes.
Comment: c.265_267delATC: p.Ile89del (I89del) in exon 2 of the GAMT gene (NM_000156.4). The normal sequence with the bases deleted in braces is: GATC{ATC}GAGT. The c.265_267delATC variant has not been published as a mutation, nor has it been reported as a benign polymorphism to our knowledge. It was not observed in approximately 6,500 individuals of European and African American ancestry in the NHLBI Exome Sequencing Project, indicating it is not a common benign variant in these populations. The c.265_267delATC variant results in an in-frame deletion of a single Isoleucine residue, denoted p.I89del. This deletion occurs at a position that is highly conserved across species. Based on the currently available information, it is unclear whether this variant is a pathogenic mutation or a rare benign variant. The variant is found in INFANT-EPI panel(s).

Natera, Inc.
Classification: Uncertain significance for Guanidinoacetate methyltransferase deficiency. Last evaluated: 2020-11-10. Review status: no assertion criteria provided. Collection method: clinical testing. Allele origin: germline. Not counted in ClinVar's aggregate classification.

Literature cited by the submitters: PubMed 34974949 (cited by Labcorp Genetics (formerly Invitae), Labcorp).

NM_000156.6(GAMT):c.262ATC[1] (p.Ile89del)

Gene: GAMT (guanidinoacetate N-methyltransferase; minus strand). Cytogenetic location: 19p13.3.
Variant type: Microsatellite.
Coding change: c.262ATC[1] on transcript NM_000156.6 (MANE Select); one copy of the 3-base unit ATC starting at c.262; the reference has two copies in a row; one copy, 3 bases deleted; also written c.265_267del.
Protein change: p.Ile89del; deletes isoleucine 89.
Molecular consequence: inframe deletion.
Genome position (GRCh38, 1-based): chr19:1,399,853-1,399,855, GAT deleted on the plus strand (ATC on the coding strand, the reverse complement: GAMT is on the minus strand); deleting any 3 consecutive bases within chr19:1,399,853-1,399,858 gives the same sequence; the position shown is the placement nearest the transcript's 3' end. VCF-style (leftmost placement, unchanged base first): chr19-1399852-CGAT-C. GRCh37 (hg19) VCF-style: chr19-1399851-CGAT-C.
Other names: c.265_267del (NM_000156.6); c.262ATC[1], p.Ile89del (NM_138924.3); short protein forms I89del.
Identifiers: ClinVar variation 205607 (VCV000205607.10), dbSNP rs750232484, ClinGen allele CA314857.